The following is an entry in ClinVar:

NM_000222.3(KIT):c.733A>T (p.Thr245Ser)

Gene: KIT (KIT proto-oncogene, receptor tyrosine kinase; plus strand). Cytogenetic location: 4q12.
Variant type: single nucleotide variant.
Coding change: c.733A>T on transcript NM_000222.3 (MANE Select); coding-DNA position 733, A replaced by T.
Protein change: p.Thr245Ser; replaces threonine 245 with serine.
Molecular consequence: missense variant.
Genome position (GRCh38, 1-based): chr4:54,699,743, A>T. VCF-style: chr4-54699743-A-T. GRCh37 (hg19) VCF-style: chr4-55565909-A-T.
Other names: c.733A>T, p.Thr245Ser (NM_001093772.2, NM_001385284.1, NM_001385285.1 and 4 more transcripts); short protein forms T245S.
Identifiers: ClinVar variation 3727454 (VCV003727454.2).

ClinVar aggregate classification (germline): Uncertain significance (1 of 4 stars; one submission).

Conditions:
Gastrointestinal stromal tumor. Also called: Gastrointestinal stromal tumor, somatic; Gastrointestinal stroma tumor. Identifiers: Orphanet 44890, MedGen C0238198, MeSH D046152, MONDO:0011719, OMIM 606764, HP:0100723.

Submission:

Labcorp Genetics (formerly Invitae), Labcorp
Classification: Uncertain significance for Gastrointestinal stromal tumor. Last evaluated: 2024-12-17. Review status: criteria provided, single submitter. Criteria: Invitae Variant Classification Sherloc (09022015). Collection method: clinical testing. Allele origin: germline.
Comment: This sequence change replaces threonine, which is neutral and polar, with serine, which is neutral and polar, at codon 245 of the KIT protein (p.Thr245Ser). This variant is not present in population databases (gnomAD no frequency). This variant has not been reported in the literature in individuals affected with KIT-related conditions. An algorithm developed to predict the effect of missense changes on protein structure and function outputs the following: PolyPhen-2: "Benign". The serine amino acid residue is found in multiple mammalian species, which suggests that this missense change does not adversely affect protein function. In summary, the available evidence is currently insufficient to determine the role of this variant in disease. Therefore, it has been classified as a Variant of Uncertain Significance.